The following is an entry in ClinVar:

NM_148919.4(PSMB8):c.*140G>A

Gene: PSMB8 (proteasome 20S subunit beta 8; minus strand). Cytogenetic location: 6p21.32.
Variant type: single nucleotide variant.
Coding change: c.*140G>A on transcript NM_148919.4 (MANE Select); 140 bases downstream of the stop codon, G replaced by A.
Molecular consequence: 3 prime UTR variant.
Genome position (GRCh38, 1-based): chr6:32,840,819, C>T on the plus strand (G>A on the coding strand, the complement: PSMB8 is on the minus strand). VCF-style: chr6-32840819-C-T. GRCh37 (hg19) VCF-style: chr6-32808596-C-T.
Other names: c.*140G>A (NM_004159.5).
Identifiers: ClinVar variation 904862 (VCV000904862.4), dbSNP rs115433903, ClinGen allele CA137006711.

ClinVar aggregate classification (germline): Benign (1 of 4 stars; one submission).

Conditions:
Proteasome-associated autoinflammatory syndrome 1 (PRAAS1). Also called: AUTOINFLAMMATION, LIPODYSTROPHY, AND DERMATOSIS SYNDROME; NAKAJO-NISHIMURA SYNDROME; CHRONIC ATYPICAL NEUTROPHILIC DERMATOSIS WITH LIPODYSTROPHY AND ELEVATED TEMPERATURE SYNDROME; JOINT CONTRACTURES, MUSCULAR ATROPHY, MICROCYTIC ANEMIA, AND PANNICULITIS-INDUCED LIPODYSTROPHY; JMP SYNDROME; Nakajo syndrome. Identifiers: Orphanet 2615, Orphanet 324977, Orphanet 324999, Orphanet 325004, MedGen C4746851, MONDO:0054698, OMIM 256040.

Allele frequency attached by ClinVar (database versions not stated): gnomAD 0.00327 and 0.00405; TOPMed 0.00372; 1000 Genomes Project 0.00739; 1000 Genomes Project 30x 0.00843.
gnomAD v4.1: 4,384 of 707,190 alleles (0.62%); highest among the groups gnomAD compares: South Asian, 2.8%; 44 homozygotes.

Submission:

Illumina Laboratory Services, Illumina
Classification: Benign for Proteasome-associated autoinflammatory syndrome 1. Last evaluated: 2018-01-12. Review status: criteria provided, single submitter. Criteria: ICSL Variant Classification Criteria 13 December 2019. Collection method: clinical testing. Allele origin: germline.
Comment: This variant was observed in the ICSL laboratory as part of a predisposition screen in an ostensibly healthy population. It had not been previously curated by ICSL or reported in the Human Gene Mutation Database (HGMD: prior to June 1st, 2018), and was therefore a candidate for classification through an automated scoring system. Utilizing variant allele frequency, disease prevalence and penetrance estimates, and inheritance mode, an automated score was calculated to assess if this variant is too frequent to cause the disease. Based on the score and internal cut-off values, a variant classified as benign is not then subjected to further curation. The score for this variant resulted in a classification of benign for this disease.